The following is an entry in ClinVar:

NM_003803.4(MYOM1):c.5008G>T (p.Ala1670Ser)

Gene: MYOM1 (myomesin 1; minus strand). Cytogenetic location: 18p11.31.
Variant type: single nucleotide variant.
Coding change: c.5008G>T on transcript NM_003803.4 (MANE Select); coding-DNA position 5008, G replaced by T.
Protein change: p.Ala1670Ser; replaces alanine 1670 with serine.
Molecular consequence: missense variant.
Genome position (GRCh38, 1-based): chr18:3,067,312, C>A on the plus strand (G>T on the coding strand, the complement: MYOM1 is on the minus strand). VCF-style: chr18-3067312-C-A. GRCh37 (hg19) VCF-style: chr18-3067310-C-A.
Other names: c.4720G>T, p.Ala1574Ser (NM_019856.2); short protein forms A1670S, A1574S.
Identifiers: ClinVar variation 4739007 (VCV004739007.1).

ClinVar aggregate classification (germline): Uncertain significance (1 of 4 stars; one submission).

Conditions:
Hypertrophic cardiomyopathy. Also called: HYPERTROPHIC MYOCARDIOPATHY. Identifiers: Orphanet 217569, MedGen C0007194, MeSH D002312, MONDO:0005045, HP:0001639.

gnomAD v4.1: 2 of 1,611,396 alleles (0.00012%); highest among the groups gnomAD compares: Admixed American, 0.0017%; no homozygotes.

Submission:

Labcorp Genetics (formerly Invitae), Labcorp
Classification: Uncertain significance for Hypertrophic cardiomyopathy. Last evaluated: 2025-06-25. Review status: criteria provided, single submitter. Criteria: Invitae Variant Classification Sherloc (09022015). Collection method: clinical testing. Allele origin: germline.
Comment: This sequence change replaces alanine, which is neutral and non-polar, with serine, which is neutral and polar, at codon 1670 of the MYOM1 protein (p.Ala1670Ser). The frequency data for this variant in the population databases is considered unreliable, as metrics indicate poor data quality at this position in the gnomAD database. This variant has not been reported in the literature in individuals affected with MYOM1-related conditions. Invitae Evidence Modeling of protein sequence and biophysical properties (such as structural, functional, and spatial information, amino acid conservation, physicochemical variation, residue mobility, and thermodynamic stability) indicates that this missense variant is not expected to disrupt MYOM1 protein function with a negative predictive value of 80%. In summary, the available evidence is currently insufficient to determine the role of this variant in disease. Therefore, it has been classified as a Variant of Uncertain Significance.